The following is an entry in ClinVar:

NM_004793.4(LONP1):c.5C>T (p.Ala2Val)

Gene: LONP1 (lon peptidase 1, mitochondrial; minus strand). Cytogenetic location: 19p13.3.
Variant type: single nucleotide variant.
Coding change: c.5C>T on transcript NM_004793.4 (MANE Select); coding-DNA position 5, C replaced by T.
Protein change: p.Ala2Val; replaces alanine 2 with valine.
Molecular consequence: missense variant. On other transcripts: non-coding transcript variant (1), intron variant (1).
Genome position (GRCh38, 1-based): chr19:5,720,128, G>A on the plus strand (C>T on the coding strand, the complement: LONP1 is on the minus strand). VCF-style: chr19-5720128-G-A. GRCh37 (hg19) VCF-style: chr19-5720139-G-A.
Other names: c.5C>T, p.Ala2Val (NM_001276479.2); c.-160+91C>T (NM_001276480.1); short protein forms A2V.
Identifiers: ClinVar variation 3618779 (VCV003618779.2).

ClinVar aggregate classification (germline): Uncertain significance (1 of 4 stars; one submission).

Submission:

Labcorp Genetics (formerly Invitae), Labcorp
Classification: Uncertain significance. Last evaluated: 2024-08-22. Review status: criteria provided, single submitter. Criteria: Invitae Variant Classification Sherloc (09022015). Collection method: clinical testing. Allele origin: germline.
Comment: This sequence change replaces alanine, which is neutral and non-polar, with valine, which is neutral and non-polar, at codon 2 of the LONP1 protein (p.Ala2Val). This variant is not present in population databases (gnomAD no frequency). This variant has not been reported in the literature in individuals affected with LONP1-related conditions. An algorithm developed to predict the effect of missense changes on protein structure and function (PolyPhen-2) suggests that this variant is likely to be disruptive. In summary, the available evidence is currently insufficient to determine the role of this variant in disease. Therefore, it has been classified as a Variant of Uncertain Significance.